The following is an entry in ClinVar:

ClinVar aggregate classification (germline): Uncertain significance (1 of 4 stars; one submission).

Conditions:
Cardiovascular phenotype. Identifiers: MedGen CN230736.
Hereditary cancer-predisposing syndrome. Also called: Tumor predisposition; Neoplastic Syndromes, Hereditary; Hereditary neoplastic syndrome; Hereditary Cancer Syndrome. Identifiers: Orphanet 140162, MedGen C0027672, MeSH D009386, MONDO:0015356.

Submission:

Ambry Genetics
Classification: Uncertain significance for Cardiovascular phenotype; Hereditary cancer-predisposing syndrome. Last evaluated: 2025-08-05. Review status: criteria provided, single submitter. Criteria: Ambry Variant Classification Scheme 2023. Collection method: clinical testing. Allele origin: germline.
Comment: The p.C427S variant (also known as c.1279T>A), located in coding exon 12 of the LZTR1 gene, results from a T to A substitution at nucleotide position 1279. The cysteine at codon 427 is replaced by serine, an amino acid with dissimilar properties. This amino acid position is conserved. In addition, this alteration is predicted to be deleterious by in silico analysis. Based on the available evidence, the clinical significance of this variant remains unclear.

NM_006767.4(LZTR1):c.1279T>A (p.Cys427Ser)

Gene: LZTR1 (leucine zipper like post translational regulator 1; plus strand). Cytogenetic location: 22q11.21.
Variant type: single nucleotide variant.
Coding change: c.1279T>A on transcript NM_006767.4 (MANE Select); coding-DNA position 1279, T replaced by A.
Protein change: p.Cys427Ser; replaces cysteine 427 with serine.
Molecular consequence: missense variant.
Genome position (GRCh38, 1-based): chr22:20,993,680, T>A. VCF-style: chr22-20993680-T-A. GRCh37 (hg19) VCF-style: chr22-21347969-T-A.
Other names: short protein forms C427S.
Identifiers: ClinVar variation 4101913 (VCV004101913.1).
Genomic context (GRCh38, chr22:20,993,680, plus strand): 5'-CTGCTGTCTGCAACATCTAGTCTCACTGGGCCCCTCTTGCAGTTCTCCTGTTACCCTAAA[T>A]GCACGCTGCACGAGGACTACGGGCGGCTGTGGGAGAGCCGCCAGTTCTGCGACGTGGAGT-3'
Protein context (NP_006758.2, residues 417-437): YRFQFSCYPK[Cys427Ser]TLHEDYGRLW